The following is an entry in ClinVar:

ClinVar aggregate classification (germline): Likely pathogenic (1 of 4 stars; one submission).

Conditions:
Dilated cardiomyopathy 1G (CMD1G). Identifiers: Orphanet 154, MedGen C1858763, MONDO:0011400, OMIM 604145.
Autosomal recessive limb-girdle muscular dystrophy type 2J (LGMDR10). Also called: Limb-girdle muscular dystrophy, type 2J; MUSCULAR DYSTROPHY, LIMB-GIRDLE, AUTOSOMAL RECESSIVE 10. Identifiers: Orphanet 140922, MedGen C1837342, MONDO:0012127, OMIM 608807.

Submission:

Labcorp Genetics (formerly Invitae), Labcorp
Classification: Likely pathogenic for Dilated cardiomyopathy 1G; Autosomal recessive limb-girdle muscular dystrophy type 2J. Last evaluated: 2023-06-25. Review status: criteria provided, single submitter. Criteria: Invitae Variant Classification Sherloc (09022015). Collection method: clinical testing. Allele origin: germline.
Comment: In summary, the currently available evidence indicates that the variant is pathogenic, but additional data are needed to prove that conclusively. Therefore, this variant has been classified as Likely Pathogenic. This variant is located in the A band of TTN (PMID: 25589632). Truncating variants in this region are significantly overrepresented in patients affected with dilated cardiomyopathy (PMID: 25589632). Truncating variants in this region have also been reported in individuals affected with autosomal recessive centronuclear myopathy (PMID: 23975875). This variant has not been reported in the literature in individuals affected with TTN-related conditions. This variant is not present in population databases (gnomAD no frequency). This sequence change creates a premature translational stop signal (p.Met31934Ilefs*9) in the TTN gene. While this is not anticipated to result in nonsense mediated decay, it is expected to create a truncated TTN protein.

Literature cited by the submitters: PubMed 25589632; PubMed 23975875.

NM_001267550.2(TTN):c.95802del (p.Met31934fs)

Genes: TTN-AS1 (TTN antisense RNA 1; plus strand), TTN (titin; minus strand). Cytogenetic location: 2q31.2.
Variant type: Deletion.
Coding change: c.95802del on transcript NM_001267550.2 (MANE Select); coding-DNA position 95802, one base deleted (G; older notation c.95802delG).
Protein change: p.Met31934fs; shifts the reading frame from methionine 31934.
Molecular consequence: frameshift variant.
Genome position (GRCh38, 1-based): chr2:178,544,427, C deleted on the plus strand (G on the coding strand, the reverse complement: TTN is on the minus strand). VCF-style (leftmost placement, unchanged base first): chr2-178544426-AC-A. GRCh37 (hg19) VCF-style: chr2-179409153-AC-A.
Other names: c.90879del, p.Met30293fs (NM_001256850.1); c.68607del, p.Met22869fs (NM_003319.4); c.88098del, p.Met29366fs (NM_133378.4); c.68982del, p.Met22994fs (NM_133432.3); c.69183del, p.Met23061fs (NM_133437.4); short protein forms M29366fs, M30293fs, M31934fs, M22994fs, M22869fs, M23061fs.
Identifiers: ClinVar variation 2948236 (VCV002948236.3), dbSNP rs2468968733, ClinGen allele CA2740095974.
Genomic context (GRCh38, chr2:178,544,426, plus strand): 5'-GATCAGTGTCCTTCTCTTGCATTTCCAGAACATATCCTACAATGTCAGTACCACCATCGT[AC>A]ATGGGTTTGGTCCATGCCAAACTAATGCTGTGTTTGGTGGTATCCACAACTCTTGGAGCA-3'